The following is an entry in ClinVar:

NM_025137.4(SPG11):c.265T>C (p.Trp89Arg)

Gene: SPG11 (SPG11 vesicle trafficking associated, spatacsin; minus strand). Cytogenetic location: 15q21.1.
Variant type: single nucleotide variant.
Coding change: c.265T>C on transcript NM_025137.4 (MANE Select); coding-DNA position 265, T replaced by C.
Protein change: p.Trp89Arg; replaces tryptophan 89 with arginine.
Molecular consequence: missense variant.
Genome position (GRCh38, 1-based): chr15:44,660,609, A>G on the plus strand (T>C on the coding strand, the complement: SPG11 is on the minus strand). VCF-style: chr15-44660609-A-G. GRCh37 (hg19) VCF-style: chr15-44952807-A-G.
Other names: c.265T>C, p.Trp89Arg (NM_001160227.2); short protein forms W89R.
Identifiers: ClinVar variation 851486 (VCV000851486.6), dbSNP rs767024812, ClinGen allele CA7535884.

ClinVar aggregate classification (germline): Uncertain significance. Review status: criteria provided, multiple submitters, no conflicts (2 of 4 stars). 2 submissions from 2 submitters: Uncertain significance (2). Last evaluated 2022-06-12.

Conditions:
Hereditary spastic paraplegia 11. Also called: Spastic paraplegia, mental retardation and thin corpus callosum; Nakamura Osame syndrome; Autosomal recessive hereditary spastic paraplegia, mental impairment, and thin corpus callosum; SPASTIC PARAPLEGIA, AUTOSOMAL RECESSIVE, COMPLICATED, WITH THIN CORPUS CALLOSUM; SPASTIC PARAPLEGIA, AUTOSOMAL RECESSIVE, WITH MENTAL IMPAIRMENT AND THIN CORPUS CALLOSUM; Spastic Paraplegia 11. Identifiers: Orphanet 2822, MedGen C1858479, MONDO:0011445, OMIM 604360.

Allele frequency attached by ClinVar (database versions not stated): gnomAD exomes 0.00001; ExAC 0.00002.
gnomAD v4.1: 12 of 1,614,068 alleles (0.00074%); highest among the groups gnomAD compares: Non-Finnish European, 0.00093%; no homozygotes.

Submissions (2):

Labcorp Genetics (formerly Invitae), Labcorp
Classification: Uncertain significance for Hereditary spastic paraplegia 11. Last evaluated: 2022-06-12. Review status: criteria provided, single submitter. Criteria: Invitae Variant Classification Sherloc (09022015). Collection method: clinical testing. Allele origin: germline.
Comment: This sequence change replaces tryptophan, which is neutral and slightly polar, with arginine, which is basic and polar, at codon 89 of the SPG11 protein (p.Trp89Arg). This variant is present in population databases (rs767024812, gnomAD 0.002%). This variant has not been reported in the literature in individuals affected with SPG11-related conditions. ClinVar contains an entry for this variant (Variation ID: 851486). Algorithms developed to predict the effect of missense changes on protein structure and function are either unavailable or do not agree on the potential impact of this missense change (SIFT: "Deleterious"; PolyPhen-2: "Probably Damaging"; Align-GVGD: "Class C0"). In summary, the available evidence is currently insufficient to determine the role of this variant in disease. Therefore, it has been classified as a Variant of Uncertain Significance.

Blueprint Genetics
Classification: Uncertain significance. Last evaluated: 2022-01-26. Review status: criteria provided, single submitter. Criteria: ACMG Guidelines, 2015. Collection method: clinical testing. Allele origin: germline.